The following is an entry in ClinVar:

ClinVar aggregate classification (germline): Uncertain significance (1 of 4 stars; one submission).

gnomAD v4.1: 9 of 1,614,060 alleles (0.00056%); highest among the groups gnomAD compares: Non-Finnish European, 0.00068%; no homozygotes.

Submission:

Women's Health and Genetics/Laboratory Corporation of America, LabCorp
Classification: Uncertain significance. Last evaluated: 2026-06-01. Review status: criteria provided, single submitter. Criteria: LabCorp Variant Classification Summary - May 2015. Collection method: clinical testing. Allele origin: germline.
Comment: Variant summary: SEC23B c.1832G>A (p.Arg611Gln) results in a conservative amino acid change in the encoded protein sequence. Algorithms developed to predict the effect of missense changes on protein structure and function are either unavailable or do not agree on the potential impact of this missense change. The variant allele was found at a frequency of 8e-06 in 251438 control chromosomes. The available data on variant occurrences in the general population are insufficient to allow any conclusion about variant significance. c.1832G>A has been observed in an unknown state with a large deletion (size unclear) at least 1 individual(s) affected with SEC23B-related conditions, without strong evidence for causality (example, Moreno-Carralero_2018). These report(s) do not provide unequivocal conclusions about association of the variant with disease. To our knowledge, no experimental evidence demonstrating an impact on protein function has been reported. The following publication has been ascertained in the context of this evaluation (PMID: 29901818). No submitters have cited clinical-significance assessments for this variant to ClinVar. Based on the evidence outlined above, the variant was classified as uncertain significance.

Literature cited by the submitters: PubMed 29901818.

NM_006363.6(SEC23B):c.1832G>A (p.Arg611Gln)

Gene: SEC23B (SEC23 homolog B, COPII component; plus strand). Cytogenetic location: 20p11.23.
Variant type: single nucleotide variant.
Coding change: c.1832G>A on transcript NM_006363.6 (MANE Select); coding-DNA position 1832, G replaced by A.
Protein change: p.Arg611Gln; replaces arginine 611 with glutamine.
Molecular consequence: missense variant.
Genome position (GRCh38, 1-based): chr20:18,548,697, G>A. VCF-style: chr20-18548697-G-A. GRCh37 (hg19) VCF-style: chr20-18529341-G-A.
Other names: c.1832G>A, p.Arg611Gln (NM_001172745.3, NM_032985.6, NM_032986.5); c.1778G>A, p.Arg593Gln (NM_001172746.3); short protein forms R593Q, R611Q.
Identifiers: ClinVar variation 4887627 (VCV004887627.1).